The following is an entry in ClinVar:

ClinVar aggregate classification (germline): Conflicting classifications of pathogenicity. Review status: criteria provided, conflicting classifications (1 of 4 stars). 7 submissions from 7 submitters: Likely pathogenic (1); Uncertain significance (3); Benign (1); Likely benign (1). 1 of the submissions does not count toward it. Last evaluated 2024-08-19.

Conditions:
Hearing impairment. Also called: Impaired Hearing. Identifiers: MedGen C1384666, MONDO:0005365, HP:0000365.
Atrophia bulborum hereditaria (ND). Also called: Pseudoglioma; Norrie syndrome; Norrie-Warburg syndrome; Anderson-Warburg syndrome; Fetal iritis syndrome; Norrie Disease. Identifiers: Orphanet 649, MedGen C0266526, MONDO:0010691, OMIM 310600, HP:6000262.

Allele frequency attached by ClinVar (database versions not stated): gnomAD 0.00003; TOPMed 0.00004.
gnomAD v4.1: 79 of 1,205,187 alleles (0.0066%); highest among the groups gnomAD compares: Non-Finnish European, 0.0084%; no homozygotes.

Submissions (7):

Blueprint Genetics
Classification: Uncertain significance. Last evaluated: 2024-08-19. Review status: criteria provided, single submitter. Criteria: ACMG Guidelines, 2015. Collection method: clinical testing. Allele origin: germline.

Women's Health and Genetics/Laboratory Corporation of America, LabCorp
Classification: Uncertain significance. Last evaluated: 2024-03-29. Review status: criteria provided, single submitter. Criteria: LabCorp Variant Classification Summary - May 2015. Collection method: clinical testing. Allele origin: germline.
Comment: Variant summary: NDP c.269G>A (p.Arg90His) results in a non-conservative amino acid change located in the Cystine knot, C-terminal (IPR006207) of the encoded protein sequence. Five of five in-silico tools predict a damaging effect of the variant on protein function. The variant allele was found at a frequency of 6.6e-05 in 1205187 control chromosomes, including 20 hemizygotes (gnomAD database v4.0.0), suggesting a benign role for the variant. c.269G>A has been reported in the literature in individuals affected with Norrie disease (Sharon_2020) and Vitreoretinopathy (Yang_2022). These reports do not provide unequivocal conclusions about association of the variant with Atrophia bulborum hereditaria. To our knowledge, no experimental evidence demonstrating an impact on protein function has been reported. The following publications have been ascertained in the context of this evaluation (PMID: 31456290, 34582765). ClinVar contains an entry for this variant (Variation ID: 812352). Based on the evidence outlined above, the variant was classified as uncertain significance.

Labcorp Genetics (formerly Invitae), Labcorp
Classification: Uncertain significance. Last evaluated: 2023-04-22. Review status: criteria provided, single submitter. Criteria: Invitae Variant Classification Sherloc (09022015). Collection method: clinical testing. Allele origin: germline.
Comment: In summary, the available evidence is currently insufficient to determine the role of this variant in disease. Therefore, it has been classified as a Variant of Uncertain Significance. This variant disrupts the p.Arg90 amino acid residue in NDP. Other variant(s) that disrupt this residue have been determined to be pathogenic (PMID: 14635119). This suggests that this residue is clinically significant, and that variants that disrupt this residue are likely to be disease-causing. Advanced modeling of protein sequence and biophysical properties (such as structural, functional, and spatial information, amino acid conservation, physicochemical variation, residue mobility, and thermodynamic stability) has been performed at Invitae for this missense variant, however the output from this modeling did not meet the statistical confidence thresholds required to predict the impact of this variant on NDP protein function. ClinVar contains an entry for this variant (Variation ID: 812352). This missense change has been observed in individual(s) with Norrie disease (PMID: 31456290). The frequency data for this variant in the population databases is considered unreliable, as metrics indicate poor data quality at this position in the gnomAD database. This sequence change replaces arginine, which is basic and polar, with histidine, which is basic and polar, at codon 90 of the NDP protein (p.Arg90His).

Department of Otolaryngology – Head & Neck Surgery, Cochlear Implant Center
Classification: Likely pathogenic for Hearing impairment. Last evaluated: 2021-04-12. Review status: criteria provided, single submitter. Criteria: ClinGen HL ACMG Specifications v1. Collection method: clinical testing. Allele origin: germline. Affected: yes.
Comment: PM2_Moderate, PM5_Moderate, PP3_Supporting

GeneDx
Classification: Likely benign. Last evaluated: 2019-10-31. Review status: criteria provided, single submitter. Criteria: GeneDx Variant Classification Process June 2021. Collection method: clinical testing. Allele origin: germline. Affected: yes.
Comment: See Variant Classification Assertion Criteria.

Laboratoire Génétique Moléculaire, CHRU TOURS
Classification: Benign. Last evaluated: 2019-06-04. Review status: criteria provided, single submitter. Criteria: ACMG Guidelines, 2015. Collection method: clinical testing. Allele origin: maternal. Affected: no.

Sharon lab, Hadassah-Hebrew University Medical Center
Classification: Likely pathogenic for Norrie Disease. Last evaluated: 2019-06-23. Review status: no assertion criteria provided. Collection method: research. Allele origin: inherited. Affected: yes. Not counted in ClinVar's aggregate classification.

Literature cited by the submitters: PubMed 31456290 (cited by Women's Health and Genetics/Laboratory Corporation of America, LabCorp and Labcorp Genetics (formerly Invitae), Labcorp); PubMed 34582765 (cited by Women's Health and Genetics/Laboratory Corporation of America, LabCorp); PubMed 14635119 (cited by Labcorp Genetics (formerly Invitae), Labcorp).

NM_000266.4(NDP):c.269G>A (p.Arg90His)

Genes: NDP (norrin cystine knot growth factor NDP; minus strand), NDP-AS1 (NDP antisense RNA 1; plus strand). Cytogenetic location: Xp11.3.
Variant type: single nucleotide variant.
Coding change: c.269G>A on transcript NM_000266.4 (MANE Select); coding-DNA position 269, G replaced by A.
Protein change: p.Arg90His; replaces arginine 90 with histidine.
Molecular consequence: missense variant. On other transcripts: non-coding transcript variant (1).
Genome position (GRCh38, 1-based): chrX:43,949,932, C>T on the plus strand (G>A on the coding strand, the complement: NDP is on the minus strand). VCF-style: chrX-43949932-C-T. GRCh37 (hg19) VCF-style: chrX-43809178-C-T.
Other names: short protein forms R90H.
Identifiers: ClinVar variation 812352 (VCV000812352.19), dbSNP rs104894867, ClinGen allele CA10391409.